The following is an entry in ClinVar:

ClinVar aggregate classification (germline): Likely benign (1 of 4 stars; one submission).

Conditions:
Neurodevelopmental disorder with seizures and brain atrophy. Identifiers: MedGen C5436732, MONDO:0033658, OMIM 619072.

gnomAD v4.1: 2 of 1,613,920 alleles (0.00012%); highest among the groups gnomAD compares: East Asian, 0.0045%; no homozygotes.

Submission:

Juno Genomics, Hangzhou Juno Genomics, Inc
Classification: Likely benign for Neurodevelopmental disorder with seizures and brain atrophy. Review status: criteria provided, single submitter. Criteria: ACMG Guidelines, 2015. Collection method: clinical testing. Allele origin: germline.
Comment: Absent from controls (or at extremely low frequency if recessive) in Genome Aggregation Database.;Multiple lines of computational evidence suggest no impact on gene or gene product.

NM_001013839.4(EXOC7):c.994G>T (p.Ala332Ser)

Gene: EXOC7 (exocyst complex component 7; minus strand). Cytogenetic location: 17q25.1.
Variant type: single nucleotide variant.
Coding change: c.994G>T on transcript NM_001013839.4 (MANE Select); coding-DNA position 994, G replaced by T.
Protein change: p.Ala332Ser; replaces alanine 332 with serine.
Molecular consequence: missense variant.
Genome position (GRCh38, 1-based): chr17:76,089,228, C>A on the plus strand (G>T on the coding strand, the complement: EXOC7 is on the minus strand). VCF-style: chr17-76089228-C-A. GRCh37 (hg19) VCF-style: chr17-74085309-C-A.
Other names: c.1147G>T, p.Ala383Ser (NM_001145297.4); c.970G>T, p.Ala324Ser (NM_001145298.4); c.1063G>T, p.Ala355Ser (NM_001145299.4, NM_001375976.1); c.871G>T, p.Ala291Ser (NM_001282313.2); c.994G>T, p.Ala332Ser (NM_001375974.1); c.901G>T, p.Ala301Ser (NM_001375975.1, NM_015219.5); short protein forms A301S, A355S, A383S, A291S, A332S, A324S.
Identifiers: ClinVar variation 5005819 (VCV005005819.2).